The following is an entry in ClinVar:

NM_001018115.3(FANCD2):c.2988C>A (p.Ser996Arg)

Gene: FANCD2 (FA complementation group D2; plus strand). Cytogenetic location: 3p25.3.
Variant type: single nucleotide variant.
Coding change: c.2988C>A on transcript NM_001018115.3 (MANE Select); coding-DNA position 2988, C replaced by A.
Protein change: p.Ser996Arg; replaces serine 996 with arginine.
Molecular consequence: missense variant.
Genome position (GRCh38, 1-based): chr3:10,081,111, C>A. VCF-style: chr3-10081111-C-A. GRCh37 (hg19) VCF-style: chr3-10122795-C-A.
Other names: c.2988C>A, p.Ser996Arg (NM_001319984.2, NM_001374254.1, NM_033084.6); c.2877C>A, p.Ser959Arg (NM_001374253.1); short protein forms S959R, S996R.
Identifiers: ClinVar variation 2755831 (VCV002755831.3), dbSNP rs2125059418, ClinGen allele CA351747158.

ClinVar aggregate classification (germline): Uncertain significance (1 of 4 stars; one submission).

Conditions:
Fanconi anemia (FA). Also called: Fanconi's anemia. Identifiers: Orphanet 84, MedGen C0015625, MeSH D005199, MONDO:0019391.

Submission:

Labcorp Genetics (formerly Invitae), Labcorp
Classification: Uncertain significance for Fanconi anemia. Last evaluated: 2023-08-28. Review status: criteria provided, single submitter. Criteria: Invitae Variant Classification Sherloc (09022015). Collection method: clinical testing. Allele origin: germline.
Comment: This sequence change replaces serine, which is neutral and polar, with arginine, which is basic and polar, at codon 996 of the FANCD2 protein (p.Ser996Arg). In summary, the available evidence is currently insufficient to determine the role of this variant in disease. Therefore, it has been classified as a Variant of Uncertain Significance. Advanced modeling of protein sequence and biophysical properties (such as structural, functional, and spatial information, amino acid conservation, physicochemical variation, residue mobility, and thermodynamic stability) performed at Invitae indicates that this missense variant is not expected to disrupt FANCD2 protein function. This variant has not been reported in the literature in individuals affected with FANCD2-related conditions. This variant is not present in population databases (gnomAD no frequency).